The following is an entry in ClinVar:

ClinVar aggregate classification (germline): Likely benign. Review status: criteria provided, single submitter (1 of 4 stars). 2 submissions from 2 submitters: Likely benign (1). 1 of the submissions does not count toward it. Last evaluated 2023-03-01.

Conditions:
CD79A-related disorder. Also called: CD79A-related condition.

Submissions (2):

CeGaT Center for Human Genetics Tuebingen
Classification: Likely benign. Last evaluated: 2023-03-01. Review status: criteria provided, single submitter. Criteria: CeGaT Center For Human Genetics Tuebingen Variant Classification Criteria Version 2. Collection method: clinical testing. Allele origin: germline. Affected: yes. Observed: 2 variant alleles.
Comment: CD79A: PM2:Supporting, BP4, BP7

PreventionGenetics, part of Exact Sciences
Classification: Likely benign for CD79A-related condition. Last evaluated: 2020-03-30. Review status: no assertion criteria provided. Collection method: clinical testing. Allele origin: germline. Not counted in ClinVar's aggregate classification.
Comment: This variant is classified as likely benign based on ACMG/AMP sequence variant interpretation guidelines (Richards et al. 2015 PMID: 25741868, with internal and published modifications).

NM_001783.4(CD79A):c.81C>G (p.Gly27=)

Genes: CD79A (CD79a molecule; plus strand), RPS19-CD79A (RPS19-CD79A readthrough; plus strand). Cytogenetic location: 19q13.2.
Variant type: single nucleotide variant.
Coding change: c.81C>G on transcript NM_001783.4 (MANE Select); coding-DNA position 81, C replaced by G.
Protein change: p.Gly27=; no amino-acid change (glycine 27 retained).
Molecular consequence: synonymous variant.
Genome position (GRCh38, 1-based): chr19:41,878,991, C>G. VCF-style: chr19-41878991-C-G. GRCh37 (hg19) VCF-style: chr19-42383061-C-G.
Other names: c.81C>G, p.Gly27= (NM_021601.4).
Identifiers: ClinVar variation 2649929 (VCV002649929.25), dbSNP rs2513698671, ClinGen allele CA507693656.